The following is an entry in ClinVar:

NM_014264.5(PLK4):c.1183A>G (p.Thr395Ala)

Gene: PLK4 (polo like kinase 4; plus strand). Cytogenetic location: 4q28.1.
Variant type: single nucleotide variant.
Coding change: c.1183A>G on transcript NM_014264.5 (MANE Select); coding-DNA position 1183, A replaced by G.
Protein change: p.Thr395Ala; replaces threonine 395 with alanine.
Molecular consequence: missense variant.
Genome position (GRCh38, 1-based): chr4:127,886,553, A>G. VCF-style: chr4-127886553-A-G. GRCh37 (hg19) VCF-style: chr4-128807708-A-G.
Other names: c.1087A>G, p.Thr363Ala (NM_001190799.2); c.1060A>G, p.Thr354Ala (NM_001190801.2); short protein forms T363A, T395A, T354A.
Identifiers: ClinVar variation 2133128 (VCV002133128.2), dbSNP rs750062734, ClinGen allele CA3076701.

ClinVar aggregate classification (germline): Uncertain significance (1 of 4 stars; one submission).

Allele frequency attached by ClinVar (database versions not stated): gnomAD exomes below 0.00001; TOPMed below 0.00001; ExAC 0.00001.
gnomAD v4.1: 1 of 1,614,126 alleles (0.000062%); highest among the groups gnomAD compares: Middle Eastern, 0.016%; no homozygotes.

Submission:

Labcorp Genetics (formerly Invitae), Labcorp
Classification: Uncertain significance. Last evaluated: 2022-05-03. Review status: criteria provided, single submitter. Criteria: Invitae Variant Classification Sherloc (09022015). Collection method: clinical testing. Allele origin: germline.
Comment: Algorithms developed to predict the effect of missense changes on protein structure and function output the following: SIFT: "Tolerated"; PolyPhen-2: "Benign"; Align-GVGD: "Class C0". The alanine amino acid residue is found in multiple mammalian species, which suggests that this missense change does not adversely affect protein function. This variant has not been reported in the literature in individuals affected with PLK4-related conditions. This variant is present in population databases (rs750062734, gnomAD 0.0009%). This sequence change replaces threonine, which is neutral and polar, with alanine, which is neutral and non-polar, at codon 395 of the PLK4 protein (p.Thr395Ala). In summary, the available evidence is currently insufficient to determine the role of this variant in disease. Therefore, it has been classified as a Variant of Uncertain Significance.